The following is an entry in ClinVar:

ClinVar aggregate classification (germline): Uncertain significance (1 of 4 stars; one submission).

Submission:

Labcorp Genetics (formerly Invitae), Labcorp
Classification: Uncertain significance. Last evaluated: 2025-03-20. Review status: criteria provided, single submitter. Criteria: Invitae Variant Classification Sherloc (09022015). Collection method: clinical testing. Allele origin: germline.
Comment: This sequence change replaces phenylalanine, which is neutral and non-polar, with serine, which is neutral and polar, at codon 99 of the MBD4 protein (p.Phe99Ser). This variant is not present in population databases (gnomAD no frequency). This variant has not been reported in the literature in individuals affected with MBD4-related conditions. An algorithm developed to predict the effect of missense changes on protein structure and function outputs the following: PolyPhen-2: "Benign". The serine amino acid residue is found in multiple mammalian species, which suggests that this missense change does not adversely affect protein function. In summary, the available evidence is currently insufficient to determine the role of this variant in disease. Therefore, it has been classified as a Variant of Uncertain Significance.

NM_001276270.2(MBD4):c.296T>C (p.Phe99Ser)

Gene: MBD4 (methyl-CpG binding domain 4, DNA glycosylase; minus strand). Cytogenetic location: 3q21.3.
Variant type: single nucleotide variant.
Coding change: c.296T>C on transcript NM_001276270.2 (MANE Select); coding-DNA position 296, T replaced by C.
Protein change: p.Phe99Ser; replaces phenylalanine 99 with serine.
Molecular consequence: missense variant. On other transcripts: intron variant (1).
Genome position (GRCh38, 1-based): chr3:129,437,759, A>G on the plus strand (T>C on the coding strand, the complement: MBD4 is on the minus strand). VCF-style: chr3-129437759-A-G. GRCh37 (hg19) VCF-style: chr3-129156602-A-G.
Other names: c.296T>C, p.Phe99Ser (NM_001276271.2, NM_001276272.2, NM_003925.3); c.247+49T>C (NM_001276273.2); short protein forms F99S.
Identifiers: ClinVar variation 3645727 (VCV003645727.2).
Genomic context (GRCh38, chr3:129,437,759, plus strand): 5'-TTTACCATCTTATATGCTTACCTGATAAAGTACACATCAAATCTTCCTGCTGTCTTCCCA[A>G]ATAACCTTTGCTTCACAACTCTTTCCCATCCACATGGGACAGACTTACGGCATTCTGTTC-3'
Protein context (NP_001263199.1, residues 89-109): GWERVVKQRL[Phe99Ser]GKTAGRFDVY